The following is an entry in ClinVar:

NM_001401501.2(MUC16):c.9702C>G (p.Gly3234=)

Gene: MUC16 (mucin 16, cell surface associated; minus strand). Cytogenetic location: 19p13.2.
Variant type: single nucleotide variant.
Coding change: c.9702C>G on transcript NM_001401501.2 (MANE Select); coding-DNA position 9702, C replaced by G.
Protein change: p.Gly3234=; no amino-acid change (glycine 3234 retained).
Molecular consequence: synonymous variant.
Genome position (GRCh38, 1-based): chr19:8,967,188, G>C on the plus strand (C>G on the coding strand, the complement: MUC16 is on the minus strand). VCF-style: chr19-8967188-G-C. GRCh37 (hg19) VCF-style: chr19-9077864-G-C.
Other names: c.10128C>G, p.Gly3376= (NM_001414686.1); c.9582C>G, p.Gly3194= (NM_001414687.1, NM_024690.2).
Identifiers: ClinVar variation 3029420 (VCV003029420.2), dbSNP rs370253069, ClinGen allele CA9171648.

ClinVar aggregate classification (germline): Likely benign (0 of 4 stars; one submission).

Conditions:
MUC16-related disorder. Also called: MUC16-related condition.

Allele frequency attached by ClinVar (database versions not stated): gnomAD exomes below 0.00001; ExAC 0.00005; gnomAD 0.00009; TOPMed 0.00012; ESP Exome Variant Server 0.00025; 1000 Genomes Project 0.00040; 1000 Genomes Project 30x 0.00078.

Submission:

PreventionGenetics, part of Exact Sciences
Classification: Likely benign for MUC16-related condition. Last evaluated: 2021-05-28. Review status: no assertion criteria provided. Collection method: clinical testing. Allele origin: germline.
Comment: This variant is classified as likely benign based on ACMG/AMP sequence variant interpretation guidelines (Richards et al. 2015 PMID: 25741868, with internal and published modifications).